The following is an entry in ClinVar:

ClinVar aggregate classification (germline): Uncertain significance. Review status: criteria provided, multiple submitters, no conflicts (2 of 4 stars). 4 submissions from 4 submitters: Uncertain significance (4). Last evaluated 2026-02-20.

Conditions:
Dyskeratosis congenita, autosomal dominant 2. Identifiers: MedGen C3151443, MONDO:0013521, OMIM 613989.
Idiopathic Pulmonary Fibrosis. Also called: Idiopathic fibrosing alveolitis, chronic form; idiopathic fibrosing alveolitis. Identifiers: Orphanet 2032, MedGen C1800706, MeSH D054990, MONDO:0800504.

gnomAD v4.1: 2 of 1,614,182 alleles (0.00012%); highest among the groups gnomAD compares: Non-Finnish European, 0.00017%; no homozygotes.

Submissions (4):

Women's Health and Genetics/Laboratory Corporation of America, LabCorp
Classification: Uncertain significance. Last evaluated: 2026-02-20. Review status: criteria provided, single submitter. Criteria: LabCorp Variant Classification Summary - May 2015. Collection method: clinical testing. Allele origin: germline.
Comment: Variant summary: TERT c.2224C>T (p.Arg742Cys) results in a non-conservative amino acid change in the encoded protein sequence. Algorithms developed to predict the effect of missense changes on protein structure and function all suggest that this variant is likely to be disruptive. The variant was absent in 251464 control chromosomes. The available data on variant occurrences in the general population are insufficient to allow any conclusion about variant significance. c.2224C>T has been observed in individual(s) affected with Telomere biology disorders and myelodysplastic syndromes without strong evidence for causality (Maille_2024, Tesi_2025). These report(s) do not provide unequivocal conclusions about association of the variant with Dyskeratosis congenita. To our knowledge, no experimental evidence demonstrating an impact on protein function has been reported. The following publications have been ascertained in the context of this evaluation (PMID: 39279213, 40388595). ClinVar contains an entry for this variant (Variation ID: 1897430). Based on the evidence outlined above, the variant was classified as uncertain significance.

Labcorp Genetics (formerly Invitae), Labcorp
Classification: Uncertain significance for Dyskeratosis congenita, autosomal dominant 2; Idiopathic Pulmonary Fibrosis. Last evaluated: 2025-10-14. Review status: criteria provided, single submitter. Criteria: Invitae Variant Classification Sherloc (09022015). Collection method: clinical testing. Allele origin: germline.
Comment: This sequence change replaces arginine, which is basic and polar, with cysteine, which is neutral and slightly polar, at codon 742 of the TERT protein (p.Arg742Cys). This variant is not present in population databases (gnomAD no frequency). This missense change has been observed in individual(s) with telomere biology disorders (PMID: 39279213). ClinVar contains an entry for this variant (Variation ID: 1897430). Invitae Evidence Modeling of protein sequence and biophysical properties (such as structural, functional, and spatial information, amino acid conservation, physicochemical variation, residue mobility, and thermodynamic stability) indicates that this missense variant is expected to disrupt TERT protein function with a positive predictive value of 95%. In summary, the available evidence is currently insufficient to determine the role of this variant in disease. Therefore, it has been classified as a Variant of Uncertain Significance.

Mayo Clinic Laboratories, Mayo Clinic
Classification: Uncertain significance. Last evaluated: 2025-09-11. Review status: criteria provided, single submitter. Criteria: ACMG Guidelines, 2015. Collection method: clinical testing. Allele origin: germline. Observed: 1 variant allele.
Comment: PP2, PP3, PM2_supporting

Baylor Genetics
Classification: Uncertain significance for Dyskeratosis congenita, autosomal dominant 2. Last evaluated: 2024-02-15. Review status: criteria provided, single submitter. Criteria: ACMG Guidelines, 2015. Collection method: clinical testing. Allele origin: unknown.

Literature cited by the submitters: PubMed 39279213 (cited by 3 submitters); PubMed 40388595 (cited by Women's Health and Genetics/Laboratory Corporation of America, LabCorp).

NM_198253.3(TERT):c.2224C>T (p.Arg742Cys)

Gene: TERT (telomerase reverse transcriptase; minus strand). Cytogenetic location: 5p15.33.
Variant type: single nucleotide variant.
Coding change: c.2224C>T on transcript NM_198253.3 (MANE Select); coding-DNA position 2224, C replaced by T.
Protein change: p.Arg742Cys; replaces arginine 742 with cysteine.
Molecular consequence: missense variant. On other transcripts: non-coding transcript variant (2).
Genome position (GRCh38, 1-based): chr5:1,278,703, G>A on the plus strand (C>T on the coding strand, the complement: TERT is on the minus strand). VCF-style: chr5-1278703-G-A. GRCh37 (hg19) VCF-style: chr5-1278818-G-A.
Other names: p.Arg742Cys; c.2224C>T, p.Arg742Cys (NM_001193376.3, NM_003219.1); short protein forms R742C.
Identifiers: ClinVar variation 1897430 (VCV001897430.8), dbSNP rs939537185, ClinGen allele CA112948924.